The following is an entry in ClinVar:

ClinVar aggregate classification (germline): Uncertain significance (1 of 4 stars; one submission).

Allele frequency attached by ClinVar (database versions not stated): TOPMed below 0.00001; ExAC 0.00002.
gnomAD v4.1: 16 of 1,613,898 alleles (0.00099%); highest among the groups gnomAD compares: South Asian, 0.013%; no homozygotes.

Submission:

Labcorp Genetics (formerly Invitae), Labcorp
Classification: Uncertain significance. Last evaluated: 2023-02-22. Review status: criteria provided, single submitter. Criteria: Invitae Variant Classification Sherloc (09022015). Collection method: clinical testing. Allele origin: germline.
Comment: This sequence change falls in intron 24 of the A2ML1 gene. It does not directly change the encoded amino acid sequence of the A2ML1 protein. It affects a nucleotide within the consensus splice site. This variant is present in population databases (rs547891207, gnomAD 0.02%). This variant has not been reported in the literature in individuals affected with A2ML1-related conditions. Variants that disrupt the consensus splice site are a relatively common cause of aberrant splicing (PMID: 17576681, 9536098). Algorithms developed to predict the effect of sequence changes on RNA splicing suggest that this variant is not likely to affect RNA splicing. In summary, the available evidence is currently insufficient to determine the role of this variant in disease. Therefore, it has been classified as a Variant of Uncertain Significance.

Literature cited by the submitters: PubMed 17576681; PubMed 9536098.

NM_144670.6(A2ML1):c.3025+3A>G

Gene: A2ML1 (alpha-2-macroglobulin like 1; plus strand). Cytogenetic location: 12p13.31.
Variant type: single nucleotide variant.
Coding change: c.3025+3A>G on transcript NM_144670.6 (MANE Select); 3 bases into the intron after coding-DNA position 3025, A replaced by G.
Molecular consequence: intron variant.
Genome position (GRCh38, 1-based): chr12:8,857,343, A>G. VCF-style: chr12-8857343-A-G. GRCh37 (hg19) VCF-style: chr12-9009939-A-G.
Other names: c.1552+3A>G (NM_001282424.3).
Identifiers: ClinVar variation 2199240 (VCV002199240.4), dbSNP rs547891207, ClinGen allele CA6436221.